The following is an entry in ClinVar:

NM_001267550.2(TTN):c.79685G>A (p.Arg26562Gln)

Genes: TTN (titin; minus strand), TTN-AS1 (TTN antisense RNA 1; plus strand). Cytogenetic location: 2q31.2.
Variant type: single nucleotide variant.
Coding change: c.79685G>A on transcript NM_001267550.2 (MANE Select); coding-DNA position 79685, G replaced by A.
Protein change: p.Arg26562Gln; replaces arginine 26562 with glutamine.
Molecular consequence: missense variant.
Genome position (GRCh38, 1-based): chr2:178,566,447, C>T on the plus strand (G>A on the coding strand, the complement: TTN is on the minus strand). VCF-style: chr2-178566447-C-T. GRCh37 (hg19) VCF-style: chr2-179431174-C-T.
Other names: c.74762G>A, p.Arg24921Gln (NM_001256850.1); c.52490G>A, p.Arg17497Gln (NM_003319.4); c.71981G>A, p.Arg23994Gln (NM_133378.4); c.52865G>A, p.Arg17622Gln (NM_133432.3); c.53066G>A, p.Arg17689Gln (NM_133437.4); short protein forms R17497Q, R23994Q, R17622Q, R24921Q, R26562Q, R17689Q.
Identifiers: ClinVar variation 669312 (VCV000669312.5), dbSNP rs538960023, ClinGen allele CA1989444.
Genomic context (GRCh38, chr2:178,566,447, plus strand): 5'-TTCACAGTACCAGGAACTGATGTAGCCTCACCTAAACCAACTTTGTTGAGGGCACAGACT[C>T]GTATTTTATACTCTTGGTGTTCAGTGAGTTTTGAAATTTCAAATCGAGTGACTCTCAGGC-3'
Protein context (NP_001254479.2, residues 26552-26572): KLTEHQEYKI[Arg26562Gln]VCALNKVGLG

ClinVar aggregate classification (germline): Conflicting classifications of pathogenicity. Review status: criteria provided, conflicting classifications (1 of 4 stars). 4 submissions from 4 submitters: Uncertain significance (2); Likely benign (1). 1 of the submissions does not count toward it. Last evaluated 2026-01-19.

Conditions:
Cardiovascular phenotype. Identifiers: MedGen CN230736.
TTN-related disorder. Also called: TTN-related condition; TTN-related disease; TTN-related disorders.

Allele frequency attached by ClinVar (database versions not stated): 1000 Genomes Project 0.00020; TOPMed 0.00002; gnomAD 0.00003; gnomAD exomes 0.00004 and 0.00006; ExAC 0.00006; 1000 Genomes Project 30x 0.00016.
gnomAD v4.1: 60 of 1,613,418 alleles (0.0037%); highest among the groups gnomAD compares: South Asian, 0.026%; no homozygotes.

Submissions (4):

Women's Health and Genetics/Laboratory Corporation of America, LabCorp
Classification: Uncertain significance. Last evaluated: 2026-01-19. Review status: criteria provided, single submitter. Criteria: LabCorp Variant Classification Summary - May 2015. Collection method: clinical testing. Allele origin: germline.

Ambry Genetics
Classification: Uncertain significance for Cardiovascular phenotype. Last evaluated: 2019-02-08. Review status: criteria provided, single submitter. Criteria: Ambry Variant Classification Scheme 2023. Collection method: clinical testing. Allele origin: germline.
Comment: The p.R17497Q variant (also known as c.52490G>A), located in coding exon 153 of the TTN gene, results from a G to A substitution at nucleotide position 52490. The arginine at codon 17497 is replaced by glutamine, an amino acid with highly similar properties. This amino acid position is highly conserved in available vertebrate species. In addition, this alteration is predicted to be tolerated by in silico analysis. Since supporting evidence is limited at this time, the clinical significance of this alteration remains unclear.

GeneDx
Classification: Likely benign. Last evaluated: 2018-06-08. Review status: criteria provided, single submitter. Criteria: GeneDx Variant Classification (06012015). Collection method: clinical testing. Allele origin: germline. Affected: yes.
Comment: This variant is considered likely benign or benign based on one or more of the following criteria: it is a conservative change, it occurs at a poorly conserved position in the protein, it is predicted to be benign by multiple in silico algorithms, and/or has population frequency not consistent with disease.

PreventionGenetics, part of Exact Sciences
Classification: Uncertain significance for TTN-related condition. Last evaluated: 2024-07-29. Review status: no assertion criteria provided. Collection method: clinical testing. Allele origin: germline. Not counted in ClinVar's aggregate classification.
Comment: The TTN c.79685G>A variant is predicted to result in the amino acid substitution p.Arg26562Gln. To our knowledge, this variant has not been reported in the literature. This variant is reported in 0.039% of alleles in individuals of South Asian descent in gnomAD. At this time, the clinical significance of this variant is uncertain due to the absence of conclusive functional and genetic evidence.